The following is an entry in ClinVar:

ClinVar aggregate classification (germline): Pathogenic (1 of 4 stars; one submission).

Conditions:
Spermatogenic failure, Y-linked, 1 (SPGFY1). Also called: SERTOLI CELL-ONLY SYNDROME, TYPE I, Y-LINKED; SERTOLI CELL-ONLY SYNDROME, Y-LINKED. Identifiers: Orphanet 1646, MedGen C4551960, MONDO:0010763, OMIM 400042.

Submission:

Eugenics and Genetics Department, Guangxi Zhuang Autonomous Region Reproductive Hospital
Classification: Pathogenic for Spermatogenic failure, Y-linked, 1. Last evaluated: 2026-06-08. Review status: criteria provided, single submitter. Criteria: ACMG/ClinGen CNV Guidelines, 2019. Collection method: clinical testing. Allele origin: germline. Inheritance: Y-linked inheritance. Affected: yes.
Comment: This complete AZFc subregion microdeletion on chromosome Y (Yq11.223; approximately 3.5 Mb; GRCh38 coordinates chrY:24,699,689-28,003,155) is confirmed by absence of STS markers sY254 and sY255 with retention of sY14, sY86, sY127, and sY134, and is classified as pathogenic per ACMG/ClinGen 2020 constitutional CNV standards (Riggs et al., Genet Med 2020;22:245-257). Evidence: PVS1 (complete loss of DAZ1/2/3/4 gene cluster is a well-established mechanism of non-obstructive azoospermia in males of all ethnic backgrounds; Krausz et al., Nat Rev Urol 2017;14:309-323; PMID 28272471); PM2_Supporting (the classical 3.5 Mb AZFc deletion defined by sY254-/sY255- is the canonical reference standard for Y-chromosome-related male infertility); PP4 (patient's azoospermia phenotype is highly specific for AZFc microdeletion; Colaco and Modi, Reprod Biol Endocrinol 2018;16:68; PMID 30021668). Detected by Y-chromosome microdeletion analysis (multiplex PCR for AZF STS markers per EAA/EMQN best practice guidelines, Simoni et al., Int J Androl 2004;27:240-249; PMID 15271204) and confirmed by karyotype 46,XY.

Literature cited by the submitters: PubMed 28272471.

Single allele

Genes: BPY2C (basic charge Y-linked 2C; minus strand), CDY1 (chromodomain Y-linked 1; plus strand), DAZ3 (deleted in azoospermia 3; minus strand), DAZ4 (deleted in azoospermia 4; plus strand), TTTY17C (testis expressed transcript, Y-linked 17C; minus strand) and 4 more. Cytogenetic location: Yq11.23-12.
Variant type: Deletion.
Identifiers: ClinVar variation 4875558 (VCV004875558.1).